The following is an entry in ClinVar:

NM_007272.3(CTRC):c.719G>A (p.Arg240Gln)

Gene: CTRC (chymotrypsin C; plus strand). Cytogenetic location: 1p36.21.
Variant type: single nucleotide variant.
Coding change: c.719G>A on transcript NM_007272.3 (MANE Select); coding-DNA position 719, G replaced by A.
Protein change: p.Arg240Gln; replaces arginine 240 with glutamine.
Molecular consequence: missense variant.
Genome position (GRCh38, 1-based): chr1:15,445,676, G>A. VCF-style: chr1-15445676-G-A. GRCh37 (hg19) VCF-style: chr1-15772171-G-A.
Other names: short protein forms R240Q.
Identifiers: ClinVar variation 581364 (VCV000581364.24), dbSNP rs760962602, ClinGen allele CA613450.

ClinVar aggregate classification (germline): Uncertain significance. Review status: criteria provided, multiple submitters, no conflicts (2 of 4 stars). 5 submissions from 5 submitters: Uncertain significance (5). Last evaluated 2025-12-17.

Conditions:
Hereditary pancreatitis (PCTT). Also called: Hereditary chronic pancreatitis; PRSS1-Related Hereditary Pancreatitis. Identifiers: Orphanet 676, MedGen C0238339, MONDO:0008185, OMIM 167800.

Allele frequency attached by ClinVar (database versions not stated): gnomAD 0.00001; gnomAD exomes 0.00002 and 0.00003; TOPMed 0.00002; ExAC 0.00004.
gnomAD v4.1: 24 of 1,614,018 alleles (0.0015%); highest among the groups gnomAD compares: Admixed American, 0.005%; no homozygotes.

Submissions (5):

Ambry Genetics
Classification: Uncertain significance for Hereditary pancreatitis. Last evaluated: 2025-12-17. Review status: criteria provided, single submitter. Criteria: Ambry Variant Classification Scheme 2023. Collection method: clinical testing. Allele origin: germline.
Comment: The p.R240Q variant (also known as c.719G>A), located in coding exon 7 of the CTRC gene, results from a G to A substitution at nucleotide position 719. The arginine at codon 240 is replaced by glutamine, an amino acid with highly similar properties. This alteration has been identified in individuals with chronic pancreatitis (Brownell JN et al. Pancreas, 2020 Sep;49:e76-e78; Cheema HA et al. Turk J Gastroenterol, 2023 Oct;34:1088-1098; Li G et al. Endoscopy, 2024 Dec;56:E988-E989). This amino acid position is poorly conserved in available vertebrate species. In addition, this alteration is predicted to be tolerated by in silico analysis. Based on the available evidence, the clinical significance of this variant remains unclear.

ARUP Laboratories, Molecular Genetics and Genomics, ARUP Laboratories
Classification: Uncertain significance for Hereditary pancreatitis. Last evaluated: 2025-07-22. Review status: criteria provided, single submitter. Criteria: ARUP Molecular Germline Variant Investigation Process 2024. Collection method: clinical testing. Allele origin: germline.
Comment: The CTRC c.719G>A; p.Arg240Gln variant (rs760962602, ClinVar Variation ID: 581364) is reported in the medical literature in individuals affected with pancreatitis (Brownell 2020, Cheema 2023). This variant is found in the general population with an overall allele frequency of 0.003% (8/251,258 alleles) in the Genome Aggregation Database (v2.1.1). Computational analyses are uncertain whether this variant is neutral or deleterious (REVEL: 0.194). Due to limited information, the clinical significance of this variant is uncertain at this time. References: Brownell JN et al. Genetic Variants, Fat Malabsorption, and Ancestral Background in a Small Chronic Pancreatitis Cohort. Pancreas. 2020 Sep;49(8):e76-e78. PMID: 32833953. Cheema HA et al. Clinical and Genetic Description of Hereditary Chronic Pancreatitis in Pakistani Children. Turk J Gastroenterol. 2023 Oct;34(10):1088-1098. PMID: 37603299.

Labcorp Genetics (formerly Invitae), Labcorp
Classification: Uncertain significance for Hereditary pancreatitis. Last evaluated: 2025-01-23. Review status: criteria provided, single submitter. Criteria: Invitae Variant Classification Sherloc (09022015). Collection method: clinical testing. Allele origin: germline.
Comment: This sequence change replaces arginine, which is basic and polar, with glutamine, which is neutral and polar, at codon 240 of the CTRC protein (p.Arg240Gln). This variant is present in population databases (rs760962602, gnomAD 0.01%). This variant has not been reported in the literature in individuals affected with CTRC-related conditions. ClinVar contains an entry for this variant (Variation ID: 581364). Invitae Evidence Modeling of protein sequence and biophysical properties (such as structural, functional, and spatial information, amino acid conservation, physicochemical variation, residue mobility, and thermodynamic stability) has been performed for this missense variant. However, the output from this modeling did not meet the statistical confidence thresholds required to predict the impact of this variant on CTRC protein function. In summary, the available evidence is currently insufficient to determine the role of this variant in disease. Therefore, it has been classified as a Variant of Uncertain Significance.

Fulgent Genetics
Classification: Uncertain significance for Hereditary pancreatitis. Last evaluated: 2024-03-17. Review status: criteria provided, single submitter. Criteria: ACMG Guidelines, 2015. Collection method: clinical testing. Allele origin: germline.

Mayo Clinic Laboratories, Mayo Clinic
Classification: Uncertain significance. Last evaluated: 2022-05-10. Review status: criteria provided, single submitter. Criteria: ACMG Guidelines, 2015. Collection method: clinical testing. Allele origin: germline. Observed: 1 variant allele.
Comment: BP4

Literature cited by the submitters: PubMed 32833953 (cited by Ambry Genetics); PubMed 37603299 (cited by Ambry Genetics); PubMed 39537137 (cited by Ambry Genetics).